The following is an entry in ClinVar:

ClinVar aggregate classification (germline): Conflicting classifications of pathogenicity. Review status: criteria provided, conflicting classifications (1 of 4 stars). 16 submissions from 15 submitters: Uncertain significance (1); Benign (7); Likely benign (4). 4 of the submissions do not count toward it. Last evaluated 2026-07-01.

Conditions:
Dystonia 5 (DRD). Also called: GTP Cyclohydrolase 1-Deficient Dopa-Responsive Dystonia; Dystonia, DOPA-responsive, with or without hyperphenylalaninemia; DYT-GCH1; DYSTONIA, PROGRESSIVE, WITH DIURNAL VARIATION; DYSTONIA-PARKINSONISM WITH DIURNAL FLUCTUATION. Identifiers: Orphanet 98808, MedGen C1851920, MONDO:0007495, OMIM 128230.
GTP cyclohydrolase I deficiency. Identifiers: MedGen C0268467, MONDO:0100184.
GCH1-related disorder. Also called: GCH1-related condition.

Allele frequency attached by ClinVar (database versions not stated): 1000 Genomes Project 0.00160; 1000 Genomes Project 30x 0.00172; gnomAD 0.00385 and 0.00389; TOPMed 0.00399; gnomAD exomes 0.00426 and 0.00512; ExAC 0.00676.

Submissions (16):

CeGaT Center for Human Genetics Tuebingen
Classification: Likely benign. Last evaluated: 2026-07-01. Review status: criteria provided, single submitter. Criteria: CeGaT Center For Human Genetics Tuebingen Variant Classification Criteria Version 2. Collection method: clinical testing. Allele origin: germline. Affected: yes. Observed: 52 variant alleles.
Comment: GCH1: BS2

Labcorp Genetics (formerly Invitae), Labcorp
Classification: Benign for GTP cyclohydrolase I deficiency; Dystonia 5. Last evaluated: 2026-02-03. Review status: criteria provided, single submitter. Criteria: Invitae Variant Classification Sherloc (09022015). Collection method: clinical testing. Allele origin: germline.

Blueprint Genetics
Classification: Likely benign. Last evaluated: 2024-11-26. Review status: criteria provided, single submitter. Criteria: ACMG Guidelines, 2015. Collection method: clinical testing. Allele origin: germline.

Mayo Clinic Laboratories, Mayo Clinic
Classification: Benign. Last evaluated: 2023-04-20. Review status: criteria provided, single submitter. Criteria: ACMG Guidelines, 2015. Collection method: clinical testing. Allele origin: germline. Observed: 12 variant alleles.
Comment: BS1, BS2

Elsea Laboratory, Baylor College of Medicine
Classification: Uncertain significance for Dystonia 5; GTP cyclohydrolase I deficiency with hyperphenylalaninemia. Last evaluated: 2020-04-01. Review status: criteria provided, single submitter. Criteria: ACMG Guidelines, 2015. Collection method: clinical testing. Allele origin: germline. Affected: no.

Mendelics
Classification: Benign for GTP cyclohydrolase I deficiency with hyperphenylalaninemia. Last evaluated: 2019-05-28. Review status: criteria provided, single submitter. Criteria: Mendelics Assertion Criteria 2017. Collection method: clinical testing. Allele origin: unknown.

GeneDx
Classification: Benign. Last evaluated: 2018-12-04. Review status: criteria provided, single submitter. Criteria: GeneDx Variant Classification Process June 2021. Collection method: clinical testing. Allele origin: germline. Affected: yes.
Comment: This variant is associated with the following publications: (PMID: 31213404, 30314816, 25497597, 9328244, 19332422, 24993959)

Illumina Laboratory Services, Illumina
Classification: Benign for GTP cyclohydrolase I deficiency with hyperphenylalaninemia. Last evaluated: 2018-03-06. Review status: criteria provided, single submitter. Criteria: ICSL Variant Classification Criteria 13 December 2019. Collection method: clinical testing. Allele origin: germline.
Comment: This variant was observed in the ICSL laboratory as part of a predisposition screen in an ostensibly healthy population. It had not been previously curated by ICSL or reported in the Human Gene Mutation Database (HGMD: prior to June 1st, 2018), and was therefore a candidate for classification through an automated scoring system. Utilizing variant allele frequency, disease prevalence and penetrance estimates, and inheritance mode, an automated score was calculated to assess if this variant is too frequent to cause the disease. Based on the score and internal cut-off values, a variant classified as benign is not then subjected to further curation. The score for this variant resulted in a classification of benign for this disease.

Illumina Laboratory Services, Illumina
Classification: Benign for Dystonia 5. Last evaluated: 2018-03-06. Review status: criteria provided, single submitter. Criteria: ICSL Variant Classification Criteria 13 December 2019. Collection method: clinical testing. Allele origin: germline.
Comment: the same text as in the submission from Illumina Laboratory Services, Illumina above.

Athena Diagnostics
Classification: Benign. Last evaluated: 2017-09-29. Review status: criteria provided, single submitter. Criteria: Athena Diagnostics Criteria. Collection method: clinical testing. Allele origin: germline.

Center for Pediatric Genomic Medicine, Children's Mercy Hospital and Clinics
Classification: Likely benign. Last evaluated: 2016-08-04. Review status: criteria provided, single submitter. Criteria: ACMG Guidelines, 2015. Collection method: clinical testing. Allele origin: germline.
ClinVar note: Converted during submission from Likely Benign to Likely benign.

Laboratory for Molecular Medicine, Mass General Brigham Personalized Medicine
Classification: Likely benign. Last evaluated: 2016-03-28. Review status: criteria provided, single submitter. Criteria: LMM Criteria. Collection method: clinical testing. Allele origin: germline.
Comment: Variant identified in a genome or exome case(s) and assessed due to predicted null impact of the variant or pathogenic assertions in the literature or databases. Disclaimer: This variant has not undergone full assessment. The following are preliminary notes: Reported in 1 individual with dystonia in trans with a nonsense variant (Jarman 1997). In a family with 2 members, it was identified in 2 affected individuals with DOPA-responsive dystonia and 1 with Parkinsons, this variant was identified in 1 individual with dystonia and 1 with Parkinsons (who also had a Phe104Leu variant) (Mencacci 2014). One of the family members with dystonia only had the Phe104Leu variant. This variant was described as benign due to its MAF. MAF 1.5% in Eur chr.

PreventionGenetics, part of Exact Sciences
Classification: Likely benign for GCH1-related condition. Last evaluated: 2020-10-06. Review status: no assertion criteria provided. Collection method: clinical testing. Allele origin: germline. Not counted in ClinVar's aggregate classification.
Comment: This variant is classified as likely benign based on ACMG/AMP sequence variant interpretation guidelines (Richards et al. 2015 PMID: 25741868, with internal and published modifications).

Clinical Genetics, Academic Medical Center
Classification: Likely benign. Review status: no assertion criteria provided. Collection method: clinical testing. Allele origin: germline. Affected: yes. Study: VKGL Data-share Consensus. Not counted in ClinVar's aggregate classification.

Diagnostic Laboratory, Department of Genetics, University Medical Center Groningen
Classification: Likely benign. Review status: no assertion criteria provided. Collection method: clinical testing. Allele origin: germline. Affected: yes. Study: VKGL Data-share Consensus. Not counted in ClinVar's aggregate classification.

Laboratory of Diagnostic Genome Analysis, Leiden University Medical Center (LUMC)
Classification: Likely benign. Review status: no assertion criteria provided. Collection method: clinical testing. Allele origin: germline. Affected: yes. Study: VKGL Data-share Consensus. Not counted in ClinVar's aggregate classification.

Literature cited by the submitters: PubMed 9328244 (cited by Athena Diagnostics); PubMed 24993959 (cited by Athena Diagnostics); PubMed 19332422 (cited by Athena Diagnostics).

NM_000161.3(GCH1):c.68C>T (p.Pro23Leu)

Genes: GCH1 (GTP cyclohydrolase 1; minus strand), LOC130055692 (ATAC-STARR-seq lymphoblastoid silent region 5776; plus strand). Cytogenetic location: 14q22.2.
Variant type: single nucleotide variant.
Coding change: c.68C>T on transcript NM_000161.3 (MANE Select); coding-DNA position 68, C replaced by T.
Protein change: p.Pro23Leu; replaces proline 23 with leucine.
Molecular consequence: missense variant.
Genome position (GRCh38, 1-based): chr14:54,902,596, G>A on the plus strand (C>T on the coding strand, the complement: GCH1 is on the minus strand). VCF-style: chr14-54902596-G-A. GRCh37 (hg19) VCF-style: chr14-55369314-G-A.
Other names: c.68C>T, p.Pro23Leu (NM_001024024.2, NM_001024070.2, NM_001024071.2); short protein forms P23L.
Identifiers: ClinVar variation 313398 (VCV000313398.74), dbSNP rs41298432, ClinGen allele CA7193683.
Genomic context (GRCh38, chr14:54,902,596, plus strand): 5'-TCGGGCCGCGGGGGCTTCTCCGCCGGCCTGCTGGGCCCGGGCCGCGGCGGATCCCGCTCG[G>A]GGAACCCATTGCTGCACCTGGCGCCCCGCGGCTTCTCCGCCGGTGCCCGCACAGGGCCCT-3'
Protein context (NP_000152.1, residues 13-33): PRGARCSNGF[Pro23Leu]ERDPPRPGPS